The following is an entry in ClinVar:

NM_006015.6(ARID1A):c.1381G>A (p.Gly461Arg)

Gene: ARID1A (AT-rich interaction domain 1A; plus strand). Cytogenetic location: 1p36.11.
Variant type: single nucleotide variant.
Coding change: c.1381G>A on transcript NM_006015.6 (MANE Select); coding-DNA position 1381, G replaced by A.
Protein change: p.Gly461Arg; replaces glycine 461 with arginine.
Molecular consequence: missense variant.
Genome position (GRCh38, 1-based): chr1:26,731,182, G>A. VCF-style: chr1-26731182-G-A. GRCh37 (hg19) VCF-style: chr1-27057673-G-A.
Other names: c.1381G>A, p.Gly461Arg (NM_139135.4); short protein forms G461R.
Identifiers: ClinVar variation 1878826 (VCV001878826.1), dbSNP rs1273478128, ClinGen allele CA339267936.
Genomic context (GRCh38, chr1:26,731,182, plus strand): 5'-GTGCTAAAAGTATATTTTCCTTTCCTACAGATTCCTCCTTATGGACAACAAGGCCCCAGC[G>A]GGTATGGTCAACAGGGCCAGACTCCATATTACAACCAGCAAAGTCCTCACCCTCAGCAGC-3'
Protein context (NP_006006.3, residues 451-471): IPPYGQQGPS[Gly461Arg]YGQQGQTPYY

ClinVar aggregate classification (germline): Uncertain significance (1 of 4 stars; one submission).

Allele frequency attached by ClinVar (database versions not stated): gnomAD exomes below 0.00001; TOPMed below 0.00001; gnomAD 0.00001.

Submission:

GeneDx
Classification: Uncertain significance. Last evaluated: 2022-07-15. Review status: criteria provided, single submitter. Criteria: GeneDx Variant Classification Process June 2021. Collection method: clinical testing. Allele origin: germline. Affected: yes.
Comment: Not observed at significant frequency in large population cohorts (gnomAD); In silico analysis supports that this missense variant has a deleterious effect on protein structure/function; Has not been previously published as pathogenic or benign to our knowledge